The following is an entry in ClinVar:

ClinVar aggregate classification (germline): Pathogenic (1 of 4 stars; one submission).

Conditions:
Joubert syndrome. Also called: JOUBERT-BOLTSHAUSER SYNDROME; Familial aplasia of the vermis. Identifiers: Orphanet 475, MedGen C5979921, MONDO:0018772.
Meckel-Gruber syndrome. Also called: DYSENCEPHALIA SPLANCHNOCYSTICA; GRUBER SYNDROME; Dysencephalia splachnocystica. Identifiers: Orphanet 564, MedGen C0265215, MONDO:0018921.

Submission:

Labcorp Genetics (formerly Invitae), Labcorp
Classification: Pathogenic for Joubert syndrome; Meckel-Gruber syndrome. Last evaluated: 2022-12-07. Review status: criteria provided, single submitter. Criteria: Invitae Variant Classification Sherloc (09022015). Collection method: clinical testing. Allele origin: germline.
Comment: This variant has not been reported in the literature in individuals affected with CC2D2A-related conditions. This variant is not present in population databases (gnomAD no frequency). This sequence change creates a premature translational stop signal (p.Tyr1557*) in the CC2D2A gene. While this is not anticipated to result in nonsense mediated decay, it is expected to disrupt the last 64 amino acid(s) of the CC2D2A protein. This variant disrupts a region of the CC2D2A protein in which other variant(s) (p.Ala1577Valfs*5) have been determined to be pathogenic (PMID: 30267408). This suggests that this is a clinically significant region of the protein, and that variants that disrupt it are likely to be disease-causing. For these reasons, this variant has been classified as Pathogenic.

Literature cited by the submitters: PubMed 30267408.

NM_001378615.1(CC2D2A):c.4671C>A (p.Tyr1557Ter)

Genes: CC2D2A (coiled-coil and C2 domain containing 2A; plus strand), FBXL5 (F-box and leucine rich repeat protein 5; minus strand). Cytogenetic location: 4p15.32.
Variant type: single nucleotide variant.
Coding change: c.4671C>A on transcript NM_001378615.1 (MANE Select); coding-DNA position 4671, C replaced by A.
Protein change: p.Tyr1557Ter; replaces tyrosine 1557 with a stop codon.
Molecular consequence: nonsense.
Genome position (GRCh38, 1-based): chr4:15,599,703, C>A. VCF-style: chr4-15599703-C-A. GRCh37 (hg19) VCF-style: chr4-15601326-C-A.
Other names: c.4671C>A, p.Tyr1557Ter (NM_001080522.2); c.4524C>A, p.Tyr1508Ter (NM_001378617.1); short protein forms Y1508*, Y1557*.
Identifiers: ClinVar variation 2942130 (VCV002942130.3), dbSNP rs2475157423, ClinGen allele CA356434732.